The following is an entry in ClinVar:

ClinVar aggregate classification (germline): Likely pathogenic (1 of 4 stars; one submission).

Allele frequency attached by ClinVar (database versions not stated): gnomAD 0.00002.

Submission:

Labcorp Genetics (formerly Invitae), Labcorp
Classification: Likely pathogenic. Last evaluated: 2024-12-22. Review status: criteria provided, single submitter. Criteria: Invitae Variant Classification Sherloc (09022015). Collection method: clinical testing. Allele origin: germline.
Comment: This sequence change affects an acceptor splice site in intron 12 of the CACNA1F gene. It is expected to disrupt RNA splicing. Variants that disrupt the donor or acceptor splice site typically lead to a loss of protein function (PMID: 16199547), and loss-of-function variants in CACNA1F are known to be pathogenic (PMID: 9662399, 11281458, 17525176, 22194652, 24124559, 26992781). This variant is present in population databases (rs782088427, gnomAD 0.01%). This variant has not been reported in the literature in individuals affected with CACNA1F-related conditions. ClinVar contains an entry for this variant (Variation ID: 2111225). Algorithms developed to predict the effect of sequence changes on RNA splicing suggest that this variant may disrupt the consensus splice site. In summary, the currently available evidence indicates that the variant is pathogenic, but additional data are needed to prove that conclusively. Therefore, this variant has been classified as Likely Pathogenic.

Literature cited by the submitters: PubMed 16199547; PubMed 9662399; PubMed 11281458; PubMed 17525176; PubMed 22194652; PubMed 24124559; PubMed 26992781.

NM_001256789.3(CACNA1F):c.1491-2A>G

Gene: CACNA1F (calcium voltage-gated channel subunit alpha1 F; minus strand). Cytogenetic location: Xp11.23.
Variant type: single nucleotide variant.
Coding change: c.1491-2A>G on transcript NM_001256789.3 (MANE Select); the canonical splice acceptor site of the intron before coding-DNA position 1491, A replaced by G.
Molecular consequence: splice acceptor variant.
Genome position (GRCh38, 1-based): chrX:49,226,071, T>C on the plus strand (A>G on the coding strand, the complement: CACNA1F is on the minus strand). VCF-style: chrX-49226071-T-C. GRCh37 (hg19) VCF-style: chrX-49082533-T-C.
Other names: c.1524-2A>G (NM_005183.4); c.1329-2A>G (NM_001256790.3).
Identifiers: ClinVar variation 2111225 (VCV002111225.4), dbSNP rs782088427, ClinGen allele CA10410844.